The following is an entry in ClinVar:

ClinVar aggregate classification (germline): Benign/Likely benign. Review status: criteria provided, multiple submitters, no conflicts (2 of 4 stars). 11 submissions from 11 submitters: Benign (10); Likely benign (1). Last evaluated 2026-02-04.

Conditions:
Ehlers-Danlos syndrome (EDS). Identifiers: Orphanet 98249, MedGen C0013720, MONDO:0020066.
Familial thoracic aortic aneurysm and aortic dissection (TAAD). Also called: Thoracic aortic aneurysms and dissections. Identifiers: Orphanet 91387, MedGen C4707243, MONDO:0019625.
Ehlers-Danlos syndrome, kyphoscoliotic type 1 (EDSKSCL1). Also called: PLOD1-Related Kyphoscoliotic Ehlers-Danlos Syndrome; Ehlers-Danlos syndrome, hydroxylysine-deficient; EHLERS-DANLOS SYNDROME, TYPE VIA; EHLERS-DANLOS SYNDROME, OCULAR-SCOLIOTIC TYPE. Identifiers: Orphanet 1900, MedGen C0268342, MONDO:0016002, OMIM 225400. Disease mechanism: loss of function.

Allele frequency attached by ClinVar (database versions not stated): gnomAD exomes 0.00927; ExAC 0.01038; gnomAD 0.02046 and 0.02109; ESP Exome Variant Server 0.02214; TOPMed 0.02286; 1000 Genomes Project 0.02596; 1000 Genomes Project 30x 0.02686.
gnomAD v4.1: 11,621 of 1,614,006 alleles (0.72%); highest among the groups gnomAD compares: African/African-American, 6.3%; 201 homozygotes.

Submissions (11):

Labcorp Genetics (formerly Invitae), Labcorp
Classification: Benign for Ehlers-Danlos syndrome, kyphoscoliotic type 1. Last evaluated: 2026-02-04. Review status: criteria provided, single submitter. Criteria: Invitae Variant Classification Sherloc (09022015). Collection method: clinical testing. Allele origin: germline.

ARUP Laboratories, Molecular Genetics and Genomics, ARUP Laboratories
Classification: Benign for Ehlers-Danlos syndrome, kyphoscoliotic type 1. Last evaluated: 2025-05-26. Review status: criteria provided, single submitter. Criteria: ARUP Molecular Germline Variant Investigation Process 2024. Collection method: clinical testing. Allele origin: germline.

Molecular Diagnostic Laboratory for Inherited Cardiovascular Disease, Montreal Heart Institute
Classification: Benign. Last evaluated: 2025-04-09. Review status: criteria provided, single submitter. Criteria: ACMG Guidelines, 2015. Collection method: clinical testing. Allele origin: germline. Affected: no.

Blueprint Genetics
Classification: Likely benign. Last evaluated: 2024-11-26. Review status: criteria provided, single submitter. Criteria: ACMG Guidelines, 2015. Collection method: clinical testing. Allele origin: germline.

Women's Health and Genetics/Laboratory Corporation of America, LabCorp
Classification: Benign. Last evaluated: 2023-07-21. Review status: criteria provided, single submitter. Criteria: LabCorp Variant Classification Summary - May 2015. Collection method: clinical testing. Allele origin: germline.

Genome Diagnostics Laboratory, The Hospital for Sick Children
Classification: Benign for Ehlers-Danlos syndrome. Last evaluated: 2022-07-09. Review status: criteria provided, single submitter. Criteria: ACMG Guidelines, 2015. Collection method: clinical testing. Allele origin: germline.

Mayo Clinic Laboratories, Mayo Clinic
Classification: Benign. Last evaluated: 2019-04-16. Review status: criteria provided, single submitter. Criteria: ACMG Guidelines, 2015. Collection method: clinical testing. Allele origin: germline. Observed: 53 variant alleles.

Illumina Laboratory Services, Illumina
Classification: Benign for Ehlers-Danlos syndrome, kyphoscoliotic type 1. Last evaluated: 2018-01-13. Review status: criteria provided, single submitter. Criteria: ICSL Variant Classification Criteria 13 December 2019. Collection method: clinical testing. Allele origin: germline.
Comment: This variant was observed in the ICSL laboratory as part of a predisposition screen in an ostensibly healthy population. It had not been previously curated by ICSL or reported in the Human Gene Mutation Database (HGMD: prior to June 1st, 2018), and was therefore a candidate for classification through an automated scoring system. Utilizing variant allele frequency, disease prevalence and penetrance estimates, and inheritance mode, an automated score was calculated to assess if this variant is too frequent to cause the disease. Based on the score and internal cut-off values, a variant classified as benign is not then subjected to further curation. The score for this variant resulted in a classification of benign for this disease.

GeneDx
Classification: Benign. Last evaluated: 2016-11-17. Review status: criteria provided, single submitter. Criteria: GeneDx Variant Classification (06012015). Collection method: clinical testing. Allele origin: germline. Affected: yes.
Comment: This variant is considered likely benign or benign based on one or more of the following criteria: it is a conservative change, it occurs at a poorly conserved position in the protein, it is predicted to be benign by multiple in silico algorithms, and/or has population frequency not consistent with disease.

Ambry Genetics
Classification: Benign for Familial thoracic aortic aneurysm and aortic dissection. Last evaluated: 2015-02-03. Review status: criteria provided, single submitter. Criteria: Ambry Variant Classification Scheme 2023. Collection method: clinical testing. Allele origin: germline.

Breakthrough Genomics
Classification: Benign. Review status: criteria provided, single submitter. Criteria: ACMG Guidelines, 2015. Collection method: not provided. Allele origin: germline. Inheritance: Autosomal recessive inheritance. Affected: yes.

NM_000302.4(PLOD1):c.2133C>G (p.Leu711=)

Gene: PLOD1 (procollagen-lysine,2-oxoglutarate 5-dioxygenase 1; plus strand). Cytogenetic location: 1p36.22.
Variant type: single nucleotide variant.
Coding change: c.2133C>G on transcript NM_000302.4 (MANE Select); coding-DNA position 2133, C replaced by G.
Protein change: p.Leu711=; no amino-acid change (leucine 711 retained).
Molecular consequence: synonymous variant.
Genome position (GRCh38, 1-based): chr1:11,974,757, C>G. VCF-style: chr1-11974757-C-G. GRCh37 (hg19) VCF-style: chr1-12034814-C-G.
Other names: p.Leu711=; c.2274C>G, p.Leu758= (NM_001316320.2).
Identifiers: ClinVar variation 263889 (VCV000263889.73), dbSNP rs879691, ClinGen allele CA598681.